The following is an entry in ClinVar:

NM_138576.4(BCL11B):c.1969G>A (p.Gly657Ser)

Gene: BCL11B (BCL11 transcription factor B; minus strand). Cytogenetic location: 14q32.2.
Variant type: single nucleotide variant.
Coding change: c.1969G>A on transcript NM_138576.4 (MANE Select); coding-DNA position 1969, G replaced by A.
Protein change: p.Gly657Ser; replaces glycine 657 with serine.
Molecular consequence: missense variant.
Genome position (GRCh38, 1-based): chr14:99,174,867, C>T on the plus strand (G>A on the coding strand, the complement: BCL11B is on the minus strand). VCF-style: chr14-99174867-C-T. GRCh37 (hg19) VCF-style: chr14-99641204-C-T.
Other names: c.1966G>A, p.Gly656Ser (NM_001282237.2); c.1753G>A, p.Gly585Ser (NM_001282238.2); c.1756G>A, p.Gly586Ser (NM_022898.3); short protein forms G657S, G585S, G586S, G656S.
Identifiers: ClinVar variation 3710626 (VCV003710626.2).
Genomic context (GRCh38, chr14:99,174,867, plus strand): 5'-GCAGCGGCGCGGGCTTGCGCGGGAAGAGCCCGGGGAAGGGCTCGGTGCCTGGCGCGAAGC[C>T]GCCCCCGCGCCCGTTGACCGCGCCGCCCGCGCCCGCGTCCCCGCAGCCGCCCGCGTCGTC-3'
Protein context (NP_612808.1, residues 647-667): AGGAVNGRGG[Gly657Ser]FAPGTEPFPG

ClinVar aggregate classification (germline): Uncertain significance (1 of 4 stars; one submission).

Submission:

Labcorp Genetics (formerly Invitae), Labcorp
Classification: Uncertain significance. Last evaluated: 2025-05-19. Review status: criteria provided, single submitter. Criteria: Invitae Variant Classification Sherloc (09022015). Collection method: clinical testing. Allele origin: germline.
Comment: This sequence change replaces glycine, which is neutral and non-polar, with serine, which is neutral and polar, at codon 657 of the BCL11B protein (p.Gly657Ser). This variant is present in population databases (no rsID available, gnomAD 0.04%). This variant has not been reported in the literature in individuals affected with BCL11B-related conditions. ClinVar contains an entry for this variant (Variation ID: 3710626). An algorithm developed to predict the effect of missense changes on protein structure and function outputs the following: PolyPhen-2: "Benign". The serine amino acid residue is found in multiple mammalian species, which suggests that this missense change does not adversely affect protein function. In summary, the available evidence is currently insufficient to determine the role of this variant in disease. Therefore, it has been classified as a Variant of Uncertain Significance.